The following is an entry in ClinVar:

ClinVar aggregate classification (germline): Uncertain significance (1 of 4 stars; one submission).

Allele frequency attached by ClinVar (database versions not stated): TOPMed below 0.00001.

Submission:

Labcorp Genetics (formerly Invitae), Labcorp
Classification: Uncertain significance. Last evaluated: 2023-11-27. Review status: criteria provided, single submitter. Criteria: Invitae Variant Classification Sherloc (09022015). Collection method: clinical testing. Allele origin: germline.
Comment: This sequence change replaces glycine, which is neutral and non-polar, with serine, which is neutral and polar, at codon 1635 of the COL4A2 protein (p.Gly1635Ser). This variant is not present in population databases (gnomAD no frequency). This variant has not been reported in the literature in individuals affected with COL4A2-related conditions. ClinVar contains an entry for this variant (Variation ID: 1719092). Advanced modeling of protein sequence and biophysical properties (such as structural, functional, and spatial information, amino acid conservation, physicochemical variation, residue mobility, and thermodynamic stability) has been performed at Invitae for this missense variant, however the output from this modeling did not meet the statistical confidence thresholds required to predict the impact of this variant on COL4A2 protein function. In summary, the available evidence is currently insufficient to determine the role of this variant in disease. Therefore, it has been classified as a Variant of Uncertain Significance.

NM_001846.4(COL4A2):c.4903G>A (p.Gly1635Ser)

Gene: COL4A2 (collagen type IV alpha 2 chain; plus strand). Cytogenetic location: 13q34.
Variant type: single nucleotide variant.
Coding change: c.4903G>A on transcript NM_001846.4 (MANE Select); coding-DNA position 4903, G replaced by A.
Protein change: p.Gly1635Ser; replaces glycine 1635 with serine.
Molecular consequence: missense variant.
Genome position (GRCh38, 1-based): chr13:110,511,955, G>A. VCF-style: chr13-110511955-G-A. GRCh37 (hg19) VCF-style: chr13-111164302-G-A.
Other names: short protein forms G1635S.
Identifiers: ClinVar variation 1719092 (VCV001719092.5), dbSNP rs1884096960, ClinGen allele CA388743840.